The following is an entry in ClinVar:

ClinVar aggregate classification (germline): Conflicting classifications of pathogenicity. Review status: criteria provided, conflicting classifications (1 of 4 stars). 12 submissions from 12 submitters: Uncertain significance (1); Benign (3); Likely benign (2). 6 of the submissions do not count toward it. Last evaluated 2026-09-01.

Conditions:
KRAS-related disorder. Also called: KRAS-related condition; KRAS-related disorders.

Allele frequency attached by ClinVar (database versions not stated): TOPMed 0.00018; gnomAD exomes 0.00027 and 0.00024; ESP Exome Variant Server 0.00015; gnomAD 0.00018 and 0.00019; ExAC 0.00025.
gnomAD v4.1: 378 of 1,613,026 alleles (0.023%); highest among the groups gnomAD compares: Admixed American, 0.03%; no homozygotes.

Submissions (12):

CeGaT Center for Human Genetics Tuebingen
Classification: Benign. Last evaluated: 2026-09-01. Review status: criteria provided, single submitter. Criteria: CeGaT Center For Human Genetics Tuebingen Variant Classification Criteria Version 2. Collection method: clinical testing. Allele origin: germline. Affected: yes. Observed: 2 variant alleles.
Comment: KRAS: BS1, BS2

Laboratory of Genetics, Children's Clinical University Hospital Latvia
Classification: Likely benign. Last evaluated: 2025-02-16. Review status: criteria provided, single submitter. Criteria: ACMG Guidelines, 2015. Collection method: clinical testing. Allele origin: germline. Affected: yes.

Blueprint Genetics
Classification: Likely benign. Last evaluated: 2024-10-25. Review status: criteria provided, single submitter. Criteria: ACMG Guidelines, 2015. Collection method: clinical testing. Allele origin: germline.

Women's Health and Genetics/Laboratory Corporation of America, LabCorp
Classification: Benign. Last evaluated: 2019-01-07. Review status: criteria provided, single submitter. Criteria: LabCorp Variant Classification Summary - May 2015. Collection method: clinical testing. Allele origin: germline.
Comment: Variant summary: KRAS c.565A>C (p.Met189Leu) results in a conservative amino acid change located in the last amino acid of the encoded protein sequence. Four of five in-silico tools predict a benign effect of the variant on protein function. The variant allele was found at a frequency of 0.00029 in 278288 control chromosomes (gnomAD), where the observed variant frequency within Ashkenazi Jewish control individuals (0.0022) is approximately 175-fold of the estimated maximal expected allele frequency for a pathogenic variant in KRAS causing Noonan Syndrome and Related Conditions phenotype (1.3e-05), strongly suggesting that the variant is a benign polymorphism. To our knowledge, no occurrence of c.565A>C in individuals affected with Noonan Syndrome and Related Conditions and no experimental evidence demonstrating its impact on protein function have been reported. Two ClinVar submissions from other clinical diagnostic laboratories (evaluation after 2014) cite the variant once as benign and once as uncertain significance. Based on the evidence outlined above, the variant was classified as benign.

GeneDx
Classification: Benign. Last evaluated: 2015-10-05. Review status: criteria provided, single submitter. Criteria: GeneDx Variant Classification (06012015). Collection method: clinical testing. Allele origin: germline. Affected: yes.
Comment: This variant is considered likely benign or benign based on one or more of the following criteria: it is a conservative change, it occurs at a poorly conserved position in the protein, it is predicted to be benign by multiple in silico algorithms, and/or has population frequency not consistent with disease.

Laboratory for Molecular Medicine, Mass General Brigham Personalized Medicine
Classification: Uncertain significance. Last evaluated: 2012-06-14. Review status: criteria provided, single submitter. Criteria: LMM Criteria. Collection method: clinical testing. Allele origin: germline. Observed: 2 variant alleles.
Comment: The Met189Leu variant in KRAS has not been reported in the literature nor previo usly identified by our laboratory. Computational analyses (biochemical amino aci d properties, conservation, AlignGVGD, PolyPhen2, and SIFT) are either limited f or this position or suggest that the Met189Leu variant may not impact the protei n, though this information is not predictive enough to rule out pathogenicity. F urthermore, this variant has been identified in 0.03% (2/7020) of European Ameri can chromosomes from a broad population by the NHLBI Exome Sequencing Project, but this frequency is too low to rule out a d isease causing role. In summary, additional information is needed to fully asses s the clinical significance of the Met189Leu variant.

PreventionGenetics, part of Exact Sciences
Classification: Likely benign for KRAS-related condition. Last evaluated: 2020-03-13. Review status: no assertion criteria provided. Collection method: clinical testing. Allele origin: germline. Not counted in ClinVar's aggregate classification.
Comment: This variant is classified as likely benign based on ACMG/AMP sequence variant interpretation guidelines (Richards et al. 2015 PMID: 25741868, with internal and published modifications).

ITMI
No classification provided. Condition: AllHighlyPenetrant. Last evaluated: 2013-09-19. Review status: no classification provided. Collection method: reference population. Allele origin: germline. Not counted in ClinVar's aggregate classification.
Comment: Please see associated publication for description of ethnicities

Clinical Genetics DNA and cytogenetics Diagnostics Lab, Erasmus MC, Erasmus Medical Center
Classification: Likely benign. Review status: no assertion criteria provided. Collection method: clinical testing. Allele origin: germline. Affected: yes. Study: VKGL Data-share Consensus. Not counted in ClinVar's aggregate classification.

Clinical Genetics, Academic Medical Center
Classification: Likely benign. Review status: no assertion criteria provided. Collection method: clinical testing. Allele origin: germline. Affected: yes. Study: VKGL Data-share Consensus. Not counted in ClinVar's aggregate classification.

Genome Diagnostics Laboratory, University Medical Center Utrecht
Classification: Likely benign. Review status: no assertion criteria provided. Collection method: clinical testing. Allele origin: germline. Affected: yes. Study: VKGL Data-share Consensus. Not counted in ClinVar's aggregate classification.

Joint Genome Diagnostic Labs from Nijmegen and Maastricht, Radboudumc and MUMC+
Classification: Likely benign. Review status: no assertion criteria provided. Collection method: clinical testing. Allele origin: germline. Affected: yes. Study: VKGL Data-share Consensus. Not counted in ClinVar's aggregate classification.

Literature cited by the submitters: PubMed 24728327 (cited by Women's Health and Genetics/Laboratory Corporation of America, LabCorp and ITMI).

NM_004985.5(KRAS):c.451-5535A>C

Gene: KRAS (KRas proto-oncogene, GTPase; minus strand). Cytogenetic location: 12p12.1.
Variant type: single nucleotide variant.
Coding change: c.451-5535A>C on transcript NM_004985.5 (MANE Select); 5535 bases into the intron before coding-DNA position 451, A replaced by C.
Molecular consequence: intron variant. On other transcripts: missense variant (2).
Genome position (GRCh38, 1-based): chr12:25,215,446, T>G on the plus strand (A>C on the coding strand, the complement: KRAS is on the minus strand). VCF-style: chr12-25215446-T-G. GRCh37 (hg19) VCF-style: chr12-25368380-T-G.
Other names: c.565A>C, p.Met189Leu (NM_001369786.1, NM_033360.4); c.451-5535A>C (NM_001369787.1); c.565A>C (NM_033360.3); short protein forms M189L.
Identifiers: ClinVar variation 46542 (VCV000046542.38), dbSNP rs201170656, ClinGen allele CA138592.